The following is an entry in ClinVar:

NM_001080449.3(DNA2):c.2993G>A (p.Arg998Gln)

Gene: DNA2 (DNA replication helicase/nuclease 2; minus strand). Cytogenetic location: 10q21.3.
Variant type: single nucleotide variant.
Coding change: c.2993G>A on transcript NM_001080449.3 (MANE Select); coding-DNA position 2993, G replaced by A.
Protein change: p.Arg998Gln; replaces arginine 998 with glutamine.
Molecular consequence: missense variant. On other transcripts: non-coding transcript variant (1).
Genome position (GRCh38, 1-based): chr10:68,416,830, C>T on the plus strand (G>A on the coding strand, the complement: DNA2 is on the minus strand). VCF-style: chr10-68416830-C-T. GRCh37 (hg19) VCF-style: chr10-70176587-C-T.
Other names: c.2993G>A (NM_001080449.2); short protein forms R998Q.
Identifiers: ClinVar variation 2892939 (VCV002892939.4), dbSNP rs774025815, ClinGen allele CA5524686.
Genomic context (GRCh38, chr10:68,416,830, plus strand): 5'-GGCACACACCCCAGAAGAATCAGTTTATGTTTGGCTCTGGTTATAGCAACATTAAGACGT[C>T]GCCAATCTTTCAAGAGTTCACCAACCTGTAAGAAATATAATTTTCAATTATTCAAGTTCA-3'
Protein context (NP_001073918.2, residues 988-1008): GTVGELLKDW[Arg998Gln]RLNVAITRAK

ClinVar aggregate classification (germline): Uncertain significance. Review status: criteria provided, multiple submitters, no conflicts (2 of 4 stars). 2 submissions from 2 submitters: Uncertain significance (2). Last evaluated 2025-05-18.

Conditions:
Inborn genetic diseases. Identifiers: MedGen C0950123, MeSH D030342.

Allele frequency attached by ClinVar (database versions not stated): ExAC 0.00002; gnomAD 0.00003; TOPMed 0.00002; gnomAD exomes 0.00002.
gnomAD v4.1: 35 of 1,609,026 alleles (0.0022%); highest among the groups gnomAD compares: Admixed American, 0.0085%; no homozygotes.

Submissions (2):

Labcorp Genetics (formerly Invitae), Labcorp
Classification: Uncertain significance. Last evaluated: 2025-05-18. Review status: criteria provided, single submitter. Criteria: Invitae Variant Classification Sherloc (09022015). Collection method: clinical testing. Allele origin: germline.
Comment: This sequence change replaces arginine, which is basic and polar, with glutamine, which is neutral and polar, at codon 998 of the DNA2 protein (p.Arg998Gln). This variant is present in population databases (rs774025815, gnomAD 0.009%). This variant has not been reported in the literature in individuals affected with DNA2-related conditions. ClinVar contains an entry for this variant (Variation ID: 2892939). Invitae Evidence Modeling of protein sequence and biophysical properties (such as structural, functional, and spatial information, amino acid conservation, physicochemical variation, residue mobility, and thermodynamic stability) indicates that this missense variant is expected to disrupt DNA2 protein function with a positive predictive value of 80%. In summary, the available evidence is currently insufficient to determine the role of this variant in disease. Therefore, it has been classified as a Variant of Uncertain Significance.

Ambry Genetics
Classification: Uncertain significance for Inborn genetic diseases. Last evaluated: 2024-01-23. Review status: criteria provided, single submitter. Criteria: Ambry Variant Classification Scheme 2023. Collection method: clinical testing. Allele origin: germline.